The following is an entry in ClinVar:

ClinVar aggregate classification (germline): Benign (3 of 4 stars; one submission).

Conditions:
Breast-ovarian cancer, familial, susceptibility to, 1 (BROVCA1). Also called: BRCA1 Hereditary Breast and Ovarian Cancer; OVARIAN CANCER, SUSCEPTIBILITY TO. Identifiers: Orphanet 145, MedGen C2676676, MONDO:0011450, OMIM 604370. Disease mechanism: loss of function.

Allele frequency attached by ClinVar (database versions not stated): 1000 Genomes Project 0.01378; 1000 Genomes Project 30x 0.01405; gnomAD 0.01405 and 0.01507; TOPMed 0.01539.
gnomAD v4.1: 2,100 of 151,390 alleles (1.4%); highest among the groups gnomAD compares: African/African-American, 4.9%; 65 homozygotes.

Submission:

Evidence-based Network for the Interpretation of Germline Mutant Alleles (ENIGMA)
Classification: Benign for Breast-ovarian cancer, familial 1. Last evaluated: 2015-01-12. Review status: reviewed by expert panel. Criteria: ENIGMA BRCA1/2 Classification Criteria (2015). Collection method: curation. Allele origin: germline.
Comment: Class 1 not pathogenic based on frequency >1% in an outbred sampleset. Frequency 0.06504 (African), derived from 1000 genomes (2012-04-30).

NM_007294.4(BRCA1):c.81-2646C>T

Gene: BRCA1 (BRCA1 DNA repair associated; minus strand). Cytogenetic location: 17q21.31.
Variant type: single nucleotide variant.
Coding change: c.81-2646C>T on transcript NM_007294.4 (MANE Select); 2646 bases into the intron before coding-DNA position 81, C replaced by T.
Molecular consequence: intron variant.
Genome position (GRCh38, 1-based): chr17:43,118,425, G>A on the plus strand (C>T on the coding strand, the complement: BRCA1 is on the minus strand). VCF-style: chr17-43118425-G-A. GRCh37 (hg19) VCF-style: chr17-41270442-G-A.
Other names: IVS 2-2646C>T; c.-61-2646C>T (NM_001408458.1, NM_001408470.1, NM_001407848.1 and 44 more transcripts); c.-219+6852C>T (NM_001407967.1); c.-170+6852C>T (NM_001407959.1); c.-8+6852C>T (NM_001407931.1, NM_001407747.1); c.-223-2646C>T (NM_001407962.1, NM_001408512.1, NM_001408510.1 and 1 more transcripts); c.-108-2646C>T (NM_001407885.1, NM_001407886.1, NM_001408509.1 and 51 more transcripts); c.-177-2646C>T (NM_001407746.1, NM_001408468.1, NM_001407842.1 and 12 more transcripts); and 15 more.
Identifiers: ClinVar variation 209550 (VCV000209550.2), dbSNP rs8176089, ClinGen allele CA276519.